The following is an entry in ClinVar:

ClinVar aggregate classification (germline): Conflicting classifications of pathogenicity. Review status: criteria provided, conflicting classifications (1 of 4 stars). 9 submissions from 9 submitters: Likely pathogenic (4); Uncertain significance (3). 2 of the submissions do not count toward it. Last evaluated 2026-06-24.

Conditions:
LAMA1-related disorder. Also called: LAMA1-related disorders; LAMA1-related condition.
Ataxia - intellectual disability - oculomotor apraxia - cerebellar cysts syndrome. Also called: Poretti-Boltshauser syndrome. Identifiers: Orphanet 370022, MedGen C4014821, MONDO:0014419, OMIM 615960.
Inborn genetic diseases. Identifiers: MedGen C0950123, MeSH D030342.

Allele frequency attached by ClinVar (database versions not stated): ExAC 0.00010; TOPMed 0.00011; gnomAD 0.00012 and 0.00013; gnomAD exomes 0.00014 and 0.00020; ESP Exome Variant Server 0.00023.
gnomAD v4.1: 311 of 1,598,018 alleles (0.019%); highest among the groups gnomAD compares: Non-Finnish European, 0.024%; 1 homozygote.

Submissions (10):

Women's Health and Genetics/Laboratory Corporation of America, LabCorp
Classification: Likely pathogenic for Ataxia - intellectual disability - oculomotor apraxia - cerebellar cysts syndrome. Last evaluated: 2026-06-24. Review status: criteria provided, single submitter. Criteria: LabCorp Variant Classification Summary - May 2015. Collection method: clinical testing. Allele origin: germline.
Comment: Variant summary: LAMA1 c.858+1G>T is located in a canonical splice-site and is predicted to affect mRNA splicing resulting in a significantly altered protein due to either exon skipping, shortening, or inclusion of intronic material. Variants that disrupt the consensus splice site are a relatively common cause of aberrant splicing and loss of LAMA1 function. Several computational tools predict a significant impact on normal splicing: Four predict the variant abolishes a 5 splicing donor site. However, these predictions have yet to be confirmed by functional studies. The variant allele was found at a frequency of 0.00014 in 250980 control chromosomes in the gnomAD database, including 1 homozygotes. This frequency is not significantly higher than estimated for disease-causing variants in LAMA1, allowing no conclusion about variant significance. To our knowledge, no occurrence of c.858+1G>T in individuals affected with LAMA1-related conditions and no experimental evidence demonstrating its impact on protein function have been reported. ClinVar contains an entry for this variant (Variation ID: 1299963). Based on the evidence outlined above, the variant was classified as likely pathogenic.

GeneDx
Classification: Uncertain significance. Last evaluated: 2026-04-29. Review status: criteria provided, single submitter. Criteria: GeneDx Variant Classification Process June 2021. Collection method: clinical testing. Allele origin: germline.
Comment: Canonical splice site variant predicted to result in an in-frame loss of the adjacent exon in a gene for which loss of function is a known mechanism of disease; This variant is associated with the following publications: (PMID: 34423300)

Labcorp Genetics (formerly Invitae), Labcorp
Classification: Likely pathogenic. Last evaluated: 2026-02-01. Review status: criteria provided, single submitter. Criteria: Invitae Variant Classification Sherloc (09022015). Collection method: clinical testing. Allele origin: germline.
Comment: This sequence change affects a donor splice site in intron 6 of the LAMA1 gene. It is expected to disrupt RNA splicing. Variants that disrupt the donor or acceptor splice site typically lead to a loss of protein function (PMID: 16199547), and loss-of-function variants in LAMA1 are known to be pathogenic (PMID: 25105227, 26932191). This variant is present in population databases (rs141914419, gnomAD 0.03%). This variant has not been reported in the literature in individuals affected with LAMA1-related conditions. ClinVar contains an entry for this variant (Variation ID: 1299963). Algorithms developed to predict the effect of sequence changes on RNA splicing suggest that this variant may disrupt the consensus splice site. In summary, the currently available evidence indicates that the variant is pathogenic, but additional data are needed to prove that conclusively. Therefore, this variant has been classified as Likely Pathogenic.

PreventionGenetics, part of Exact Sciences
Classification: Likely pathogenic for LAMA1-related condition. Last evaluated: 2025-08-26. Review status: criteria provided, single submitter. Criteria: ACMG Guidelines, 2015. Collection method: clinical testing. Allele origin: germline.
Comment: The LAMA1 c.858+1G>T variant is predicted to disrupt the GT donor site and interfere with normal splicing. To our knowledge, this variant has not been reported in the literature. This variant is reported in 0.027% of alleles in individuals of European (Non-Finnish) descent in gnomAD. Variants that disrupt the consensus splice donor site in LAMA1 are expected to be pathogenic. This variant is interpreted as likely pathogenic.

Revvity Omics, Revvity
Classification: Likely pathogenic for Ataxia - intellectual disability - oculomotor apraxia - cerebellar cysts syndrome. Last evaluated: 2025-06-05. Review status: criteria provided, single submitter. Criteria: ACMG Guidelines, 2015. Collection method: clinical testing. Allele origin: germline.

Blueprint Genetics
Classification: Uncertain significance. Last evaluated: 2024-06-12. Review status: criteria provided, single submitter. Criteria: ACMG Guidelines, 2015. Collection method: clinical testing. Allele origin: germline.

Ambry Genetics
Classification: Uncertain significance for Inborn genetic diseases. Last evaluated: 2021-06-03. Review status: criteria provided, single submitter. Criteria: Ambry Variant Classification Scheme 2023. Collection method: clinical testing. Allele origin: germline.
Comment: The c.858+1G>T intronic alteration consists of a G to T substitution one nucleotide after exon 6 of the LAMA1 gene. Alterations that disrupt the canonical splice donor site are typically deleterious in nature (Richards, 2015). Based on insufficient or conflicting evidence, the clinical significance of this alteration remains unclear.

Clinical Genetics DNA and cytogenetics Diagnostics Lab, Erasmus MC, Erasmus Medical Center
Classification: Likely pathogenic. Review status: no assertion criteria provided. Collection method: clinical testing. Allele origin: germline. Affected: yes. Study: VKGL Data-share Consensus. Not counted in ClinVar's aggregate classification.

Dr. Peter K. Rogan Lab, Western University
No classification provided (evidence only). Condition: Hepatocellular carcinoma. Review status: no classification provided. Collection method: in vitro. Allele origin: not applicable. Functional consequence: retained intron. Not counted in ClinVar's aggregate classification.

Joint Genome Diagnostic Labs from Nijmegen and Maastricht, Radboudumc and MUMC+
Classification: Pathogenic. Review status: no assertion criteria provided. Collection method: clinical testing. Allele origin: germline. Affected: yes. Study: VKGL Data-share Consensus. Not counted in ClinVar's aggregate classification.

Literature cited by the submitters: PubMed 16199547 (cited by Labcorp Genetics (formerly Invitae), Labcorp); PubMed 25105227 (cited by Labcorp Genetics (formerly Invitae), Labcorp); PubMed 26932191 (cited by Labcorp Genetics (formerly Invitae), Labcorp).

NM_005559.4(LAMA1):c.858+1G>T

Gene: LAMA1 (laminin subunit alpha 1; minus strand). Cytogenetic location: 18p11.31.
Variant type: single nucleotide variant.
Coding change: c.858+1G>T on transcript NM_005559.4 (MANE Select); the canonical splice donor site of the intron after coding-DNA position 858, G replaced by T.
Molecular consequence: splice donor variant.
Genome position (GRCh38, 1-based): chr18:7,046,277, C>A on the plus strand (G>T on the coding strand, the complement: LAMA1 is on the minus strand). VCF-style: chr18-7046277-C-A. GRCh37 (hg19) VCF-style: chr18-7046276-C-A.
Identifiers: ClinVar variation 1299963 (VCV001299963.16), dbSNP rs141914419, ClinGen allele CA8883176.
Genomic context (GRCh38, chr18:7,046,277, plus strand): 5'-AATATTATAGCTACAATTTCTGTTTTGAAGTTTTAGTAAAATGTGAAATACTAGAACTCA[C>A]CTTTGTAGTTTCATCCCATGGGCAGCTACTAGCATGGCCATAGCAGATACACATGCCTCC-3'